The following is an entry in ClinVar:

ClinVar aggregate classification (germline): Uncertain significance. Review status: criteria provided, multiple submitters, no conflicts (2 of 4 stars). 2 submissions from 2 submitters: Uncertain significance (2). Last evaluated 2022-08-21.

Conditions:
Familial infantile myasthenia (CMS6). Also called: Congenital myasthenic syndrome type 6; MYASTHENIC SYNDROME, PRESYNAPTIC, CONGENITAL, ASSOCIATED WITH EPISODIC APNEA; MYASTHENIC SYNDROME, CONGENITAL, 6, PRESYNAPTIC. Identifiers: Orphanet 590, MedGen C0393929, MONDO:0009689, OMIM 254210.

Allele frequency attached by ClinVar (database versions not stated): gnomAD exomes below 0.00001; gnomAD 0.00001; TOPMed 0.00002; ExAC 0.00003; ESP Exome Variant Server 0.00008.
gnomAD v4.1: 10 of 1,613,970 alleles (0.00062%); highest among the groups gnomAD compares: African/African-American, 0.0093%; no homozygotes.

Submissions (2):

Labcorp Genetics (formerly Invitae), Labcorp
Classification: Uncertain significance for Familial infantile myasthenia. Last evaluated: 2022-08-21. Review status: criteria provided, single submitter. Criteria: Invitae Variant Classification Sherloc (09022015). Collection method: clinical testing. Allele origin: germline.
Comment: This sequence change replaces tyrosine, which is neutral and polar, with cysteine, which is neutral and slightly polar, at codon 514 of the CHAT protein (p.Tyr514Cys). This variant is present in population databases (rs144918120, gnomAD 0.01%). This variant has not been reported in the literature in individuals affected with CHAT-related conditions. Advanced modeling of protein sequence and biophysical properties (such as structural, functional, and spatial information, amino acid conservation, physicochemical variation, residue mobility, and thermodynamic stability) performed at Invitae indicates that this missense variant is not expected to disrupt CHAT protein function. In summary, the available evidence is currently insufficient to determine the role of this variant in disease. Therefore, it has been classified as a Variant of Uncertain Significance.

Revvity Omics, Revvity
Classification: Uncertain significance for Familial infantile myasthenia. Last evaluated: 2019-12-09. Review status: criteria provided, single submitter. Criteria: ACMG Guidelines, 2015. Collection method: clinical testing. Allele origin: germline.

NM_020549.5(CHAT):c.1541A>G (p.Tyr514Cys)

Gene: CHAT (choline O-acetyltransferase; plus strand). Cytogenetic location: 10q11.23.
Variant type: single nucleotide variant.
Coding change: c.1541A>G on transcript NM_020549.5 (MANE Select); coding-DNA position 1541, A replaced by G.
Protein change: p.Tyr514Cys; replaces tyrosine 514 with cysteine.
Molecular consequence: missense variant.
Genome position (GRCh38, 1-based): chr10:49,651,913, A>G. VCF-style: chr10-49651913-A-G. GRCh37 (hg19) VCF-style: chr10-50859959-A-G.
Other names: c.1187A>G, p.Tyr396Cys (NM_001142929.2, NM_001142934.2, NM_020984.4 and 2 more transcripts); c.1295A>G, p.Tyr432Cys (NM_001142933.2); c.1541A>G (NM_020549.4); short protein forms Y396C, Y514C, Y432C.
Identifiers: ClinVar variation 2146791 (VCV002146791.4), dbSNP rs144918120, ClinGen allele CA5497552.
Genomic context (GRCh38, chr10:49,651,913, plus strand): 5'-AATAAAAACATCTTTTCTTTTTCTTCCTCAGAATAGTAAAGAACCTTGACTTCATTGTCT[A>G]TAAGTTTGACAACTATGGGAAAACATTCATTAAGAAGCAGAAATGCAGCCCTGATGCCTT-3'
Protein context (NP_065574.4, residues 504-524): RIVKNLDFIV[Tyr514Cys]KFDNYGKTFI